The following is an entry in ClinVar:

NM_003401.5(XRCC4):c.739G>T (p.Ala247Ser)

Gene: XRCC4 (X-ray repair cross complementing 4; plus strand). Cytogenetic location: 5q14.2.
Variant type: single nucleotide variant.
Coding change: c.739G>T on transcript NM_003401.5 (MANE Select); coding-DNA position 739, G replaced by T.
Protein change: p.Ala247Ser; replaces alanine 247 with serine.
Molecular consequence: missense variant.
Genome position (GRCh38, 1-based): chr5:83,204,915, G>T. VCF-style: chr5-83204915-G-T. GRCh37 (hg19) VCF-style: chr5-82500734-G-T.
Other names: c.739G>T, p.Ala247Ser (NM_001318012.3, NM_001318013.2, NM_022406.5 and 1 more transcripts); short protein forms A247S.
Identifiers: ClinVar variation 1260275 (VCV001260275.10), dbSNP rs3734091, ClinGen allele CA3332243.

ClinVar aggregate classification (germline): Benign. Review status: criteria provided, multiple submitters, no conflicts (2 of 4 stars). 2 submissions from 2 submitters: Benign (2). Last evaluated 2026-02-02.

Allele frequency attached by ClinVar (database versions not stated): gnomAD exomes 0.01479 and 0.02295; ExAC 0.02321; 1000 Genomes Project 0.02875; gnomAD 0.01552 and 0.01401; ESP Exome Variant Server 0.01015; TOPMed 0.01320; 1000 Genomes Project 30x 0.02577.
gnomAD v4.1: 23,906 of 1,608,646 alleles (1.5%); highest among the groups gnomAD compares: East Asian, 7.6%; 401 homozygotes.

Submissions (2):

Labcorp Genetics (formerly Invitae), Labcorp
Classification: Benign. Last evaluated: 2026-02-02. Review status: criteria provided, single submitter. Criteria: Invitae Variant Classification Sherloc (09022015). Collection method: clinical testing. Allele origin: germline.

GeneDx
Classification: Benign. Last evaluated: 2021-05-05. Review status: criteria provided, single submitter. Criteria: GeneDx Variant Classification Process June 2021. Collection method: clinical testing. Allele origin: germline. Affected: yes.
Comment: This variant is associated with the following publications: (PMID: 25360583, 23788213, 24378850, 18630527, 18246529)